The following is an entry in ClinVar:

NM_000419.5(ITGA2B):c.2159T>C (p.Leu720Pro)

Gene: ITGA2B (integrin subunit alpha 2b; minus strand). Cytogenetic location: 17q21.31.
Variant type: single nucleotide variant.
Coding change: c.2159T>C on transcript NM_000419.5 (MANE Select); coding-DNA position 2159, T replaced by C.
Protein change: p.Leu720Pro; replaces leucine 720 with proline.
Molecular consequence: missense variant.
Genome position (GRCh38, 1-based): chr17:44,377,726, A>G on the plus strand (T>C on the coding strand, the complement: ITGA2B is on the minus strand). VCF-style: chr17-44377726-A-G. GRCh37 (hg19) VCF-style: chr17-42455094-A-G.
Other names: short protein forms L720P.
Identifiers: ClinVar variation 996189 (VCV000996189.3), dbSNP rs2048557572, ClinGen allele CA399798955.
Genomic context (GRCh38, chr17:44,377,726, plus strand): 5'-GGAGACCCGGTACCACGACCCAGCAGCCTCACCTGGGCGTTCTTCTTCATGGGGTTGCCC[A>G]GCTCACACAGCACCACCCTGGTCTCATTCTCCTTCTTCTGATTACAGATGAGTCTCTCAA-3'
Protein context (NP_000410.2, residues 710-730): ENETRVVLCE[Leu720Pro]GNPMKKNAQI

ClinVar aggregate classification (germline): Uncertain significance (3 of 4 stars; one submission).

Conditions:
Glanzmann thrombasthenia. Also called: Glanzmann's thrombasthenia; PLATELET GLYCOPROTEIN IIb-IIIa DEFICIENCY; BLEEDING DISORDER, PLATELET-TYPE, 2; THROMBASTHENIA OF GLANZMANN AND NAEGELI; Thrombasthenia. Identifiers: Orphanet 849, MedGen C0040015, MONDO:0100326.

Submission:

ClinGen Platelet Disorders Variant Curation Expert Panel, ClinGen
Classification: Uncertain significance for Glanzmann thrombasthenia. Last evaluated: 2024-03-07. Review status: reviewed by expert panel. Criteria: ClinGen Platelet ACMG Specifications v2-1. Collection method: curation. Allele origin: germline. Inheritance: Autosomal recessive inheritance.
Comment: The NM_000419.5(ITGA2B):c.2159T>C (p.Leu720Pro) missense variant has been reported in at least three compound heterozygous GT proband (PMID: 29675921, GT database 438, and DOI 10.1182/blood.V110.11.3921.3921). GT5 of PMID: 29675921 meets the criteria for PP4_Strong; including mucocutaneous bleeding, impaired aggregation with all agonists except ristocetin, and reduced surface expression of αIIbβ3 measured by flow cytometry. This variant is absent from all population cohorts in gnomADv4.0 (PM2_supporting) In summary this variant meets criteria to be classified as uncertain significance for GT. GT-specific criteria applied: PM2_Supporting and PP4_strong.